The following is an entry in ClinVar:

ClinVar aggregate classification (germline): Benign. Review status: criteria provided, multiple submitters, no conflicts (2 of 4 stars). 3 submissions from 3 submitters: Benign (3). Last evaluated 2026-01-27.

Conditions:
Hemolytic anemia due to pyrimidine 5' nucleotidase deficiency (CNSHA8). Also called: HEMOLYTIC ANEMIA DUE TO P5N DEFICIENCY; HEMOLYTIC ANEMIA DUE TO UMPH1 DEFICIENCY; P5N DEFICIENCY; PYRIMIDINE 5-PRIME NUCLEOTIDASE DEFICIENCY, HEMOLYTIC ANEMIA DUE TO; UMPH1 DEFICIENCY. Identifiers: Orphanet 35120, MedGen C1849507, MONDO:0009946, OMIM 266120.

Allele frequency attached by ClinVar (database versions not stated): 1000 Genomes Project 0.00879; 1000 Genomes Project 30x 0.00921; TOPMed 0.01328; gnomAD 0.01617 and 0.01691; ExAC 0.01624; gnomAD exomes 0.01664 and 0.02126; ESP Exome Variant Server 0.01770.
gnomAD v4.1: 33,417 of 1,611,880 alleles (2.1%); highest among the groups gnomAD compares: Non-Finnish European, 2.4%; 427 homozygotes.

Submissions (31):

Labcorp Genetics (formerly Invitae), Labcorp
Classification: Benign. Last evaluated: 2026-01-27. Review status: criteria provided, single submitter. Criteria: Invitae Variant Classification Sherloc (09022015). Collection method: clinical testing. Allele origin: germline.

ARUP Laboratories, Molecular Genetics and Genomics, ARUP Laboratories
Classification: Benign for Hemolytic anemia due to pyrimidine 5' nucleotidase deficiency. Last evaluated: 2025-06-10. Review status: criteria provided, single submitter. Criteria: ARUP Molecular Germline Variant Investigation Process 2024. Collection method: clinical testing. Allele origin: germline.

Mayo Clinic Laboratories, Mayo Clinic
Classification: Benign. Last evaluated: 2022-07-05. Review status: criteria provided, single submitter. Criteria: ACMG Guidelines, 2015. Collection method: clinical testing. Allele origin: germline. Observed: 43 variant alleles.
Comment: BS1, BS2

Dr. Peter K. Rogan Lab, Western University
No classification provided (evidence only). Condition: Clear cell carcinoma of kidney. Review status: no classification provided. Collection method: in vitro. Allele origin: not applicable. Functional consequence: skipped exon, retained intron. Not counted in ClinVar's aggregate classification.

Dr. Peter K. Rogan Lab, Western University
No classification provided (evidence only). Condition: Clear cell carcinoma of kidney. Review status: no classification provided. Collection method: in vitro. Allele origin: not applicable. Functional consequence: retained intron. Not counted in ClinVar's aggregate classification.

Dr. Peter K. Rogan Lab, Western University
No classification provided (evidence only). Condition: Clear cell carcinoma of kidney. Review status: no classification provided. Collection method: in vitro. Allele origin: not applicable. Functional consequence: retained intron. Not counted in ClinVar's aggregate classification.

Dr. Peter K. Rogan Lab, Western University
No classification provided (evidence only). Condition: Clear cell carcinoma of kidney. Review status: no classification provided. Collection method: in vitro. Allele origin: not applicable. Functional consequence: retained intron. Not counted in ClinVar's aggregate classification.

Dr. Peter K. Rogan Lab, Western University
No classification provided (evidence only). Condition: Acute myeloid leukemia. Review status: no classification provided. Collection method: in vitro. Allele origin: not applicable. Functional consequence: retained intron. Not counted in ClinVar's aggregate classification.

Dr. Peter K. Rogan Lab, Western University
No classification provided (evidence only). Condition: Acute myeloid leukemia. Review status: no classification provided. Collection method: in vitro. Allele origin: not applicable. Functional consequence: retained intron. Not counted in ClinVar's aggregate classification.

Dr. Peter K. Rogan Lab, Western University
No classification provided (evidence only). Condition: Acute myeloid leukemia. Review status: no classification provided. Collection method: in vitro. Allele origin: not applicable. Functional consequence: retained intron. Not counted in ClinVar's aggregate classification.

Dr. Peter K. Rogan Lab, Western University
No classification provided (evidence only). Condition: Acute myeloid leukemia. Review status: no classification provided. Collection method: in vitro. Allele origin: not applicable. Functional consequence: retained intron. Not counted in ClinVar's aggregate classification.

Dr. Peter K. Rogan Lab, Western University
No classification provided (evidence only). Condition: Acute myeloid leukemia. Review status: no classification provided. Collection method: in vitro. Allele origin: not applicable. Functional consequence: retained intron. Not counted in ClinVar's aggregate classification.

Dr. Peter K. Rogan Lab, Western University
No classification provided (evidence only). Condition: Acute myeloid leukemia. Review status: no classification provided. Collection method: in vitro. Allele origin: not applicable. Functional consequence: retained intron. Not counted in ClinVar's aggregate classification.

Dr. Peter K. Rogan Lab, Western University
No classification provided (evidence only). Condition: Acute myeloid leukemia. Review status: no classification provided. Collection method: in vitro. Allele origin: not applicable. Functional consequence: retained intron. Not counted in ClinVar's aggregate classification.

Dr. Peter K. Rogan Lab, Western University
No classification provided (evidence only). Condition: Uterine corpus endometrial carcinoma. Review status: no classification provided. Collection method: in vitro. Allele origin: not applicable. Functional consequence: retained intron. Not counted in ClinVar's aggregate classification.

Dr. Peter K. Rogan Lab, Western University
No classification provided (evidence only). Condition: Cervical cancer. Review status: no classification provided. Collection method: in vitro. Allele origin: not applicable. Functional consequence: retained intron. Not counted in ClinVar's aggregate classification.

Dr. Peter K. Rogan Lab, Western University
No classification provided (evidence only). Condition: Cervical cancer. Review status: no classification provided. Collection method: in vitro. Allele origin: not applicable. Functional consequence: retained intron. Not counted in ClinVar's aggregate classification.

Dr. Peter K. Rogan Lab, Western University
No classification provided (evidence only). Condition: Cervical cancer. Review status: no classification provided. Collection method: in vitro. Allele origin: not applicable. Functional consequence: retained intron. Not counted in ClinVar's aggregate classification.

Dr. Peter K. Rogan Lab, Western University
No classification provided (evidence only). Condition: Cervical cancer. Review status: no classification provided. Collection method: in vitro. Allele origin: not applicable. Functional consequence: retained intron. Not counted in ClinVar's aggregate classification.

Dr. Peter K. Rogan Lab, Western University
No classification provided (evidence only). Condition: Cervical cancer. Review status: no classification provided. Collection method: in vitro. Allele origin: not applicable. Functional consequence: retained intron. Not counted in ClinVar's aggregate classification.

Dr. Peter K. Rogan Lab, Western University
No classification provided (evidence only). Condition: Sarcoma. Review status: no classification provided. Collection method: in vitro. Allele origin: not applicable. Functional consequence: skipped exon, retained intron. Not counted in ClinVar's aggregate classification.

Dr. Peter K. Rogan Lab, Western University
No classification provided (evidence only). Condition: Sarcoma. Review status: no classification provided. Collection method: in vitro. Allele origin: not applicable. Functional consequence: retained intron. Not counted in ClinVar's aggregate classification.

Dr. Peter K. Rogan Lab, Western University
No classification provided (evidence only). Condition: Malignant lymphoma, large B-cell, diffuse. Review status: no classification provided. Collection method: in vitro. Allele origin: not applicable. Functional consequence: retained intron. Not counted in ClinVar's aggregate classification.

Dr. Peter K. Rogan Lab, Western University
No classification provided (evidence only). Condition: Cholangiocarcinoma. Review status: no classification provided. Collection method: in vitro. Allele origin: not applicable. Functional consequence: retained intron. Not counted in ClinVar's aggregate classification.

Dr. Peter K. Rogan Lab, Western University
No classification provided (evidence only). Condition: Cholangiocarcinoma. Review status: no classification provided. Collection method: in vitro. Allele origin: not applicable. Functional consequence: retained intron. Not counted in ClinVar's aggregate classification.

Dr. Peter K. Rogan Lab, Western University
No classification provided (evidence only). Condition: Ovarian serous cystadenocarcinoma. Review status: no classification provided. Collection method: in vitro. Allele origin: not applicable. Functional consequence: retained intron. Not counted in ClinVar's aggregate classification.

Dr. Peter K. Rogan Lab, Western University
No classification provided (evidence only). Condition: Gastric cancer. Review status: no classification provided. Collection method: in vitro. Allele origin: not applicable. Functional consequence: retained intron. Not counted in ClinVar's aggregate classification.

Dr. Peter K. Rogan Lab, Western University
No classification provided (evidence only). Condition: Uveal melanoma. Review status: no classification provided. Collection method: in vitro. Allele origin: not applicable. Functional consequence: retained intron. Not counted in ClinVar's aggregate classification.

Dr. Peter K. Rogan Lab, Western University
No classification provided (evidence only). Condition: Malignant tumor of esophagus. Review status: no classification provided. Collection method: in vitro. Allele origin: not applicable. Functional consequence: retained intron. Not counted in ClinVar's aggregate classification.

Dr. Peter K. Rogan Lab, Western University
No classification provided (evidence only). Condition: Malignant tumor of esophagus. Review status: no classification provided. Collection method: in vitro. Allele origin: not applicable. Functional consequence: retained intron. Not counted in ClinVar's aggregate classification.

Dr. Peter K. Rogan Lab, Western University
No classification provided (evidence only). Condition: Malignant tumor of esophagus. Review status: no classification provided. Collection method: in vitro. Allele origin: not applicable. Functional consequence: retained intron. Not counted in ClinVar's aggregate classification.

NM_001002010.5(NT5C3A):c.440+9A>G

Gene: NT5C3A (5'-nucleotidase, cytosolic IIIA; minus strand). Cytogenetic location: 7p14.3.
Variant type: single nucleotide variant.
Coding change: c.440+9A>G on transcript NM_001002010.5 (MANE Select); 9 bases into the intron after coding-DNA position 440, A replaced by G.
Molecular consequence: intron variant.
Genome position (GRCh38, 1-based): chr7:33,021,263, T>C on the plus strand (A>G on the coding strand, the complement: NT5C3A is on the minus strand). VCF-style: chr7-33021263-T-C. GRCh37 (hg19) VCF-style: chr7-33060875-T-C.
Other names: p.?; c.440+9A>G (NM_001002010.4, NM_001374338.1); c.341+9A>G (NM_001374335.1); c.239+9A>G (NM_001374339.1); c.338+9A>G (NM_001002009.3, NM_016489.14); c.302+9A>G (NM_001374336.1, NM_001374337.1, NM_001166118.3 and 1 more transcripts).
Identifiers: ClinVar variation 811542 (VCV000811542.25), dbSNP rs72555745, ClinGen allele CA4213431.